The following is an entry in ClinVar:

ClinVar aggregate classification (germline): Likely benign. Review status: criteria provided, multiple submitters, no conflicts (2 of 4 stars). 2 submissions from 2 submitters: Likely benign (2). Last evaluated 2026-06-02.

Conditions:
CREBBP-related disorder. Also called: CREBBP-related condition; CREBBP-related disorders.
Rubinstein-Taybi syndrome (RSTS). Identifiers: Orphanet 783, MedGen C0035934, MONDO:0019188.

Allele frequency attached by ClinVar (database versions not stated): TOPMed 0.00001.
gnomAD v4.1: 11 of 1,613,498 alleles (0.00068%); highest among the groups gnomAD compares: Admixed American, 0.017%; no homozygotes.

Submissions (2):

PreventionGenetics, part of Exact Sciences
Classification: Likely benign for CREBBP-related condition. Last evaluated: 2026-06-02. Review status: criteria provided, single submitter. Criteria: ACMG Guidelines, 2015. Collection method: clinical testing. Allele origin: germline.
Comment: This variant is classified as likely benign based on ACMG/AMP sequence variant interpretation guidelines (Richards et al. 2015 PMID: 25741868, with internal and published modifications).

Labcorp Genetics (formerly Invitae), Labcorp
Classification: Likely benign for Rubinstein-Taybi syndrome. Last evaluated: 2025-02-06. Review status: criteria provided, single submitter. Criteria: Invitae Variant Classification Sherloc (09022015). Collection method: clinical testing. Allele origin: germline.

NM_004380.3(CREBBP):c.2571G>T (p.Pro857=)

Gene: CREBBP (CREB binding lysine acetyltransferase; minus strand). Cytogenetic location: 16p13.3.
Variant type: single nucleotide variant.
Coding change: c.2571G>T on transcript NM_004380.3 (MANE Select); coding-DNA position 2571, G replaced by T.
Protein change: p.Pro857=; no amino-acid change (proline 857 retained).
Molecular consequence: synonymous variant.
Genome position (GRCh38, 1-based): chr16:3,770,879, C>A on the plus strand (G>T on the coding strand, the complement: CREBBP is on the minus strand). VCF-style: chr16-3770879-C-A. GRCh37 (hg19) VCF-style: chr16-3820880-C-A.
Other names: c.2457G>T, p.Pro819= (NM_001079846.1); c.2571G>T (NM_004380.2).
Identifiers: ClinVar variation 2199667 (VCV002199667.5), dbSNP rs750068674, ClinGen allele CA7870075.